The following is an entry in ClinVar:

NM_001042492.3(NF1):c.1264G>T (p.Ala422Ser)

Gene: NF1 (neurofibromin 1; plus strand). Cytogenetic location: 17q11.2.
Variant type: single nucleotide variant.
Coding change: c.1264G>T on transcript NM_001042492.3 (MANE Select); coding-DNA position 1264, G replaced by T.
Protein change: p.Ala422Ser; replaces alanine 422 with serine.
Molecular consequence: missense variant.
Genome position (GRCh38, 1-based): chr17:31,206,243, G>T. VCF-style: chr17-31206243-G-T. GRCh37 (hg19) VCF-style: chr17-29533261-G-T.
Other names: c.1264G>T, p.Ala422Ser (NM_000267.4, NM_001128147.3); short protein forms A422S.
Identifiers: ClinVar variation 1398490 (VCV001398490.9), dbSNP rs786202145, ClinGen allele CA398999065.

ClinVar aggregate classification (germline): Conflicting classifications of pathogenicity. Review status: criteria provided, conflicting classifications (1 of 4 stars). 3 submissions from 3 submitters: Uncertain significance (2); Benign (1). Last evaluated 2025-07-14.

Conditions:
Cardiovascular phenotype. Identifiers: MedGen CN230736.
Hereditary cancer-predisposing syndrome. Also called: Neoplastic Syndromes, Hereditary; Hereditary neoplastic syndrome; Hereditary Cancer Syndrome; Tumor predisposition. Identifiers: Orphanet 140162, MedGen C0027672, MeSH D009386, MONDO:0015356.
Juvenile myelomonocytic leukemia (JMML). Also called: LEUKEMIA, JUVENILE MYELOMONOCYTIC, SOMATIC. Identifiers: Orphanet 86834, MedGen C0349639, MONDO:0011908, OMIM 607785, HP:0012209.
Neurofibromatosis, type 1 (NF1). Also called: NEUROFIBROMATOSIS, TYPE I, SOMATIC; Peripheral type neurofibromatosis; Neurofibromatosis, type I; VON RECKLINGHAUSEN DISEASE. Identifiers: Orphanet 636, MedGen C0027831, MONDO:0018975, OMIM 162200. Disease mechanism: loss of function.

Allele frequency attached by ClinVar (database versions not stated): TOPMed 0.00001.
gnomAD v4.1: 9 of 1,613,438 alleles (0.00056%); highest among the groups gnomAD compares: Admixed American, 0.0017%; no homozygotes.

Submissions (3):

Labcorp Genetics (formerly Invitae), Labcorp
Classification: Benign for Neurofibromatosis, type 1. Last evaluated: 2025-07-14. Review status: criteria provided, single submitter. Criteria: Invitae Variant Classification Sherloc (09022015). Collection method: clinical testing. Allele origin: germline.

Ambry Genetics
Classification: Uncertain significance for Cardiovascular phenotype; Hereditary cancer-predisposing syndrome. Last evaluated: 2024-03-08. Review status: criteria provided, single submitter. Criteria: Ambry Variant Classification Scheme 2023. Collection method: clinical testing. Allele origin: germline.
Comment: The p.A422S variant (also known as c.1264G>T), located in coding exon 12 of the NF1 gene, results from a G to T substitution at nucleotide position 1264. The alanine at codon 422 is replaced by serine, an amino acid with similar properties. This amino acid position is well conserved in available vertebrate species. In addition, this alteration is predicted to be tolerated by in silico analysis. Since supporting evidence is limited at this time, the clinical significance of this alteration remains unclear.

Baylor Genetics
Classification: Uncertain significance for Juvenile myelomonocytic leukemia. Last evaluated: 2023-07-10. Review status: criteria provided, single submitter. Criteria: ACMG Guidelines, 2015. Collection method: clinical testing. Allele origin: unknown.